The following is an entry in ClinVar:

ClinVar aggregate classification (germline): Pathogenic/Likely pathogenic. Review status: criteria provided, multiple submitters, no conflicts (2 of 4 stars). 5 submissions from 5 submitters: Pathogenic (1); Likely pathogenic (3). 1 of the submissions does not count toward it. Last evaluated 2024-06-25.

Conditions:
Autosomal recessive spastic ataxia. Identifiers: Orphanet 316240, MedGen C5679900, MONDO:0017847.
Charlevoix-Saguenay spastic ataxia (SACS). Also called: Spastic ataxia of Charlevoix-Saguenay; SPASTIC ATAXIA 6, AUTOSOMAL RECESSIVE; AUTOSOMAL RECESSIVE SPASTIC ATAXIA OF CHARLEVOIX-SAGUENAY. Identifiers: Orphanet 98, MedGen C1849140, MONDO:0010041, OMIM 270550.

Submissions (5):

Fulgent Genetics
Classification: Likely pathogenic for Charlevoix-Saguenay spastic ataxia. Last evaluated: 2024-06-25. Review status: criteria provided, single submitter. Criteria: ACMG Guidelines, 2015. Collection method: clinical testing. Allele origin: germline.

Natera, Inc.
Classification: Likely pathogenic for Charlevoix-Saguenay type spastic ataxia. Last evaluated: 2024-03-19. Review status: criteria provided, single submitter. Criteria: Natera Variant Classification Schema (03/2026). Collection method: clinical testing. Allele origin: germline.
Comment: The c.8542_8543delTT variant in SACS is a frameshift variant predicted to shift the reading frame beginning at codon 2848 and leads to a stop codon 14 codons downstream. This variant is expected to result in nonsense mediated decay, truncation, or a dysfunctional protein product. This variant is rare in the general population with a frequency below the threshold expected for the associated phenotype(s). Given the available evidence, this variant is classified as Likely Pathogenic.

Genome-Nilou Lab
Classification: Likely pathogenic for Charlevoix-Saguenay spastic ataxia. Last evaluated: 2021-09-05. Review status: criteria provided, single submitter. Criteria: ACMG Guidelines, 2015. Collection method: clinical testing. Allele origin: germline. Affected: no.

Laboratory for Molecular Medicine, Mass General Brigham Personalized Medicine
Classification: Pathogenic for Autosomal recessive spastic ataxia. Last evaluated: 2015-08-08. Review status: criteria provided, single submitter. Criteria: LMM Criteria. Collection method: clinical testing. Allele origin: germline. Inheritance: Autosomal recessive inheritance. Observed: 2 variant alleles.
Comment: The p.Phe2848fs variant in SACS has not been previously reported in individuals with clinical features of autosomal recessive spastic ataxia of Charlevoix-Sague nay (ARSACS) or in large population studies. This variant is predicted to cause a frameshift, which alters the protein?s amino acid sequence beginning at positi on 2848 and leads to a premature termination codon 14 amino acids downstream. T his premature termination codon occurs within the last exon of the gene (exon 10 ), and is more likely to escape nonsense mediated decay (NMD). Therefore, this v ariant is predicted to result in a truncated protein that is 1718 amino acids sh orter and lacks several functional domains of the normal protein. Loss of functi on variants in the SACS gene, most of which occur in exon 10, have been reported in several patients with ARSACS (Bouhlal 2011), and animal models support a los s of function mechanism of disease (Lariviere 2015). In summary, this variant me ets our criteria to be classified as pathogenic for ARSACS in an autosomal reces sive manner.

Counsyl
Classification: Likely pathogenic for Charlevoix-Saguenay spastic ataxia. Last evaluated: 2018-04-11. Review status: no assertion criteria provided. Collection method: clinical testing. Allele origin: unknown. Not counted in ClinVar's aggregate classification.

Literature cited by the submitters: PubMed 20876471 (cited by Laboratory for Molecular Medicine, Mass General Brigham Personalized Medicine); PubMed 21450511 (cited by Laboratory for Molecular Medicine, Mass General Brigham Personalized Medicine); PubMed 24180463 (cited by Laboratory for Molecular Medicine, Mass General Brigham Personalized Medicine).

NM_014363.6(SACS):c.8542_8543del (p.Phe2848fs)

Gene: SACS (sacsin molecular chaperone; minus strand). Cytogenetic location: 13q12.12.
Variant type: Deletion.
Coding change: c.8542_8543del on transcript NM_014363.6 (MANE Select); coding-DNA positions 8542 to 8543, 2 bases deleted (TT; older notation c.8542_8543delTT).
Protein change: p.Phe2848fs; shifts the reading frame from phenylalanine 2848.
Molecular consequence: frameshift variant.
Genome position (GRCh38, 1-based): chr13:23,335,333-23,335,334, AA deleted on the plus strand (TT on the coding strand, the reverse complement: SACS is on the minus strand); deleting any 2 consecutive bases within chr13:23,335,333-23,335,336 gives the same sequence; the c. name uses the placement nearest the transcript's 3' end. VCF-style (leftmost placement, unchanged base first): chr13-23335332-GAA-G. GRCh37 (hg19) VCF-style: chr13-23909471-GAA-G.
Other names: c.8101_8102del, p.Phe2701fs (NM_001278055.2); c.8542_8543delTT (NM_014363.5); short protein forms F2701fs, F2848fs.
Identifiers: ClinVar variation 228394 (VCV000228394.10), dbSNP rs876657721, ClinGen allele CA10576938.
Genomic context (GRCh38, chr13:23,335,332, plus strand): 5'-GAAGGCCCTATGGGGTTTTTTATAGTTGTGAGTAATGCAGGCAGCTACTCCACCACGTGG[GAA>G]AAGAGTAATATCTTGGTTCTTGTGAGCTGATATGACACTTTTAGATACTTTCTCCATACT-3'